The following is an entry in ClinVar:

NM_006371.5(CRTAP):c.73C>A (p.Arg25Ser)

Gene: CRTAP (cartilage associated protein; plus strand). Cytogenetic location: 3p22.3.
Variant type: single nucleotide variant.
Coding change: c.73C>A on transcript NM_006371.5 (MANE Select); coding-DNA position 73, C replaced by A.
Protein change: p.Arg25Ser; replaces arginine 25 with serine.
Molecular consequence: missense variant.
Genome position (GRCh38, 1-based): chr3:33,114,150, C>A. VCF-style: chr3-33114150-C-A. GRCh37 (hg19) VCF-style: chr3-33155642-C-A.
Other names: c.73C>A, p.Arg25Ser (NM_001393363.1, NM_001393364.1, NM_001393365.1); short protein forms R25S.
Identifiers: ClinVar variation 2097281 (VCV002097281.2), dbSNP rs1701309282, ClinGen allele CA352008099.
Genomic context (GRCh38, chr3:33,114,150, plus strand): 5'-CGCCGGGGGGCCGCGGCGCTGCTAGCGCTGCTGTGCGTGGCCTGCGCGCTGCGCGCCGGG[C>A]GCGCCCAATACGAACGCTACAGCTTCCGCAGCTTCCCACGGGACGAGCTGATGCCGCTCG-3'
Protein context (NP_006362.1, residues 15-35): LCVACALRAG[Arg25Ser]AQYERYSFRS

ClinVar aggregate classification (germline): Uncertain significance (1 of 4 stars; one submission).

Conditions:
Osteogenesis imperfecta type 7 (OI7). Also called: Osteogenesis imperfecta type 2B; OI type 2B; Osteogenesis imperfecta, perinatal lethal autosomal recessive; OI type IIB; OSTEOGENESIS IMPERFECTA, TYPE IIB; OI type 7. Identifiers: MedGen C1853162, MONDO:0012536, OMIM 610682.

Allele frequency attached by ClinVar (database versions not stated): gnomAD exomes below 0.00001; TOPMed below 0.00001.
gnomAD v4.1: 6 of 1,580,372 alleles (0.00038%); highest among the groups gnomAD compares: Middle Eastern, 0.018%; no homozygotes.

Submission:

Labcorp Genetics (formerly Invitae), Labcorp
Classification: Uncertain significance for Osteogenesis imperfecta type 7. Last evaluated: 2022-07-08. Review status: criteria provided, single submitter. Criteria: Invitae Variant Classification Sherloc (09022015). Collection method: clinical testing. Allele origin: germline.
Comment: In summary, the available evidence is currently insufficient to determine the role of this variant in disease. Therefore, it has been classified as a Variant of Uncertain Significance. Algorithms developed to predict the effect of missense changes on protein structure and function (SIFT, PolyPhen-2, Align-GVGD) all suggest that this variant is likely to be tolerated. This variant has not been reported in the literature in individuals affected with CRTAP-related conditions. This variant is not present in population databases (gnomAD no frequency). This sequence change replaces arginine, which is basic and polar, with serine, which is neutral and polar, at codon 25 of the CRTAP protein (p.Arg25Ser).